The following is an entry in ClinVar:

NM_005236.3(ERCC4):c.1681A>T (p.Ser561Cys)

Gene: ERCC4 (ERCC excision repair 4, endonuclease catalytic subunit; plus strand). Cytogenetic location: 16p13.12.
Variant type: single nucleotide variant.
Coding change: c.1681A>T on transcript NM_005236.3 (MANE Select); coding-DNA position 1681, A replaced by T.
Protein change: p.Ser561Cys; replaces serine 561 with cysteine.
Molecular consequence: missense variant.
Genome position (GRCh38, 1-based): chr16:13,935,613, A>T. VCF-style: chr16-13935613-A-T. GRCh37 (hg19) VCF-style: chr16-14029470-A-T.
Other names: short protein forms S561C.
Identifiers: ClinVar variation 653625 (VCV000653625.8), dbSNP rs1443581940, ClinGen allele CA394812376.

ClinVar aggregate classification (germline): Uncertain significance (1 of 4 stars; one submission).

Conditions:
Xeroderma pigmentosum, group F (XPF). Also called: ERCC4-Related Xeroderma Pigmentosum; XERODERMA PIGMENTOSUM VI; XP, GROUP F; XERODERMA PIGMENTOSUM, COMPLEMENTATION GROUP F; XERODERMA PIGMENTOSUM, TYPE F; Xeroderma pigmentosum, type 6. Identifiers: MedGen C0268140, MONDO:0010215, OMIM 278760.
Cockayne syndrome. Identifiers: Orphanet 191, MedGen C0009207, MONDO:0016006.
Fanconi anemia complementation group Q. Identifiers: Orphanet 84, MedGen C3808988, MONDO:0014108, OMIM 615272.

Allele frequency attached by ClinVar (database versions not stated): TOPMed 0.00001.

Submission:

Labcorp Genetics (formerly Invitae), Labcorp
Classification: Uncertain significance for Fanconi anemia complementation group Q; Xeroderma pigmentosum, group F; Cockayne syndrome. Last evaluated: 2018-07-16. Review status: criteria provided, single submitter. Criteria: Invitae Variant Classification Sherloc (09022015). Collection method: clinical testing. Allele origin: germline.
Comment: In summary, the available evidence is currently insufficient to determine the role of this variant in disease. Therefore, it has been classified as a Variant of Uncertain Significance. Algorithms developed to predict the effect of missense changes on protein structure and function are either unavailable or do not agree on the potential impact of this missense change (SIFT: "Deleterious"; PolyPhen-2: "Possibly Damaging"; Align-GVGD: "Class C15"). This variant has not been reported in the literature in individuals with ERCC4-related disease. This variant is not present in population databases (ExAC no frequency). This sequence change replaces serine with cysteine at codon 561 of the ERCC4 protein (p.Ser561Cys). The serine residue is moderately conserved and there is a moderate physicochemical difference between serine and cysteine.